The following is an entry in ClinVar:

ClinVar aggregate classification (germline): Uncertain significance (1 of 4 stars; one submission).

Allele frequency attached by ClinVar (database versions not stated): ExAC 0.00001.

Submission:

CeGaT Center for Human Genetics Tuebingen
Classification: Uncertain significance. Last evaluated: 2024-01-01. Review status: criteria provided, single submitter. Criteria: CeGaT Center For Human Genetics Tuebingen Variant Classification Criteria Version 2. Collection method: clinical testing. Allele origin: germline. Affected: yes. Observed: 1 variant allele.
Comment: FLRT3: PM2

NM_198391.3(FLRT3):c.992G>A (p.Gly331Glu)

Genes: FLRT3 (fibronectin leucine rich transmembrane protein 3; minus strand), MACROD2 (mono-ADP ribosylhydrolase 2; plus strand). Cytogenetic location: 20p12.1.
Variant type: single nucleotide variant.
Coding change: c.992G>A on transcript NM_198391.3 (MANE Select); coding-DNA position 992, G replaced by A.
Protein change: p.Gly331Glu; replaces glycine 331 with glutamic acid.
Molecular consequence: missense variant. On other transcripts: intron variant (3).
Genome position (GRCh38, 1-based): chr20:14,326,515, C>T on the plus strand (G>A on the coding strand, the complement: FLRT3 is on the minus strand). VCF-style: chr20-14326515-C-T. GRCh37 (hg19) VCF-style: chr20-14307161-C-T.
Other names: c.992G>A, p.Gly331Glu (NM_013281.4); c.272-166964C>T (NM_001351661.2, NM_001351663.2, NM_080676.6); short protein forms G331E.
Identifiers: ClinVar variation 3025980 (VCV003025980.22), dbSNP rs753905921, ClinGen allele CA9768962.